The following is an entry in ClinVar:

ClinVar aggregate classification (germline): Likely benign (0 of 4 stars; one submission).

Conditions:
GFAP-related disorder. Also called: GFAP-related disorders; GFAP-related condition.

gnomAD v4.1: 4 of 1,599,900 alleles (0.00025%); highest among the groups gnomAD compares: African/African-American, 0.0013%; no homozygotes.

Submission:

PreventionGenetics, part of Exact Sciences
Classification: Likely benign for GFAP-related condition. Last evaluated: 2024-03-28. Review status: no assertion criteria provided. Collection method: clinical testing. Allele origin: germline.
Comment: This variant is classified as likely benign based on ACMG/AMP sequence variant interpretation guidelines (Richards et al. 2015 PMID: 25741868, with internal and published modifications).

NM_002055.5(GFAP):c.618+10G>A

Gene: GFAP (glial fibrillary acidic protein; minus strand). Cytogenetic location: 17q21.31.
Variant type: single nucleotide variant.
Coding change: c.618+10G>A on transcript NM_002055.5 (MANE Select); 10 bases into the intron after coding-DNA position 618, G replaced by A.
Molecular consequence: intron variant.
Genome position (GRCh38, 1-based): chr17:44,913,718, C>T on the plus strand (G>A on the coding strand, the complement: GFAP is on the minus strand). VCF-style: chr17-44913718-C-T. GRCh37 (hg19) VCF-style: chr17-42991086-C-T.
Other names: c.618+10G>A (NM_001363846.2, NM_001131019.3, NM_001242376.3).
Identifiers: ClinVar variation 3348301 (VCV003348301.1).